The following is an entry in ClinVar:

ClinVar aggregate classification (germline): Likely benign (1 of 4 stars; one submission).

Submission:

CeGaT Center for Human Genetics Tuebingen
Classification: Likely benign. Last evaluated: 2025-10-01. Review status: criteria provided, single submitter. Criteria: CeGaT Center For Human Genetics Tuebingen Variant Classification Criteria Version 2. Collection method: clinical testing. Allele origin: germline. Affected: yes. Observed: 1 variant allele.
Comment: MYCN: BP4, BP7

NM_005378.6(MYCN):c.399G>A (p.Lys133=)

Gene: MYCN (MYCN proto-oncogene, bHLH transcription factor; plus strand). Cytogenetic location: 2p24.3.
Variant type: single nucleotide variant.
Coding change: c.399G>A on transcript NM_005378.6 (MANE Select); coding-DNA position 399, G replaced by A.
Protein change: p.Lys133=; no amino-acid change (lysine 133 retained).
Molecular consequence: synonymous variant. On other transcripts: 3 prime UTR variant (1), intron variant (1).
Genome position (GRCh38, 1-based): chr2:15,942,463, G>A. VCF-style: chr2-15942463-G-A. GRCh37 (hg19) VCF-style: chr2-16082585-G-A.
Other names: c.399G>A, p.Lys133= (NM_001293228.2); c.*334G>A (NM_001293233.2); c.157+1720G>A (NM_001293231.2).
Identifiers: ClinVar variation 4535056 (VCV004535056.6).
Genomic context (GRCh38, chr2:15,942,463, plus strand): 5'-GGACTGCATGTGGAGCGGCTTCTCCGCCCGCGAGAAGCTGGAGCGCGCCGTGAGCGAGAA[G>A]CTGCAGCACGGCCGCGGGCCGCCAACCGCCGGTTCCACCGCCCAGTCCCCGGGAGCCGGC-3'
Protein context (NP_005369.2, residues 123-143): REKLERAVSE[Lys133=]LQHGRGPPTA